The following is an entry in ClinVar:

ClinVar aggregate classification (germline): Uncertain significance. Review status: criteria provided, multiple submitters, no conflicts (2 of 4 stars). 2 submissions from 2 submitters: Uncertain significance (2). Last evaluated 2022-01-03.

Conditions:
Megalencephalic leukoencephalopathy with subcortical cysts 1 (MLC1). Also called: LEUKOENCEPHALOPATHY WITH SWELLING AND CYSTS; VACUOLATING MEGALENCEPHALIC LEUKOENCEPHALOPATHY WITH SUBCORTICAL CYSTS. Identifiers: Orphanet 2478, MedGen C5779875, MONDO:0024555, OMIM 604004.

Allele frequency attached by ClinVar (database versions not stated): ExAC 0.00002; gnomAD 0.00002 and 0.00003; TOPMed 0.00002; ESP Exome Variant Server 0.00008.
gnomAD v4.1: 3 of 1,613,644 alleles (0.00019%); highest among the groups gnomAD compares: African/African-American, 0.0027%; no homozygotes.

Submissions (2):

Labcorp Genetics (formerly Invitae), Labcorp
Classification: Uncertain significance. Last evaluated: 2022-01-03. Review status: criteria provided, single submitter. Criteria: Invitae Variant Classification Sherloc (09022015). Collection method: clinical testing. Allele origin: germline.
Comment: This sequence change replaces serine, which is neutral and polar, with proline, which is neutral and non-polar, at codon 199 of the MLC1 protein (p.Ser199Pro). This variant is present in population databases (rs140676811, gnomAD 0.007%). This variant has not been reported in the literature in individuals affected with MLC1-related conditions. ClinVar contains an entry for this variant (Variation ID: 901426). Algorithms developed to predict the effect of missense changes on protein structure and function (SIFT, PolyPhen-2, Align-GVGD) all suggest that this variant is likely to be disruptive. In summary, the available evidence is currently insufficient to determine the role of this variant in disease. Therefore, it has been classified as a Variant of Uncertain Significance.

Illumina Laboratory Services, Illumina
Classification: Uncertain significance for Megalencephalic leukoencephalopathy with subcortical cysts 1. Last evaluated: 2018-01-13. Review status: criteria provided, single submitter. Criteria: ICSL Variant Classification Criteria 13 December 2019. Collection method: clinical testing. Allele origin: germline.

NM_015166.4(MLC1):c.595T>C (p.Ser199Pro)

Gene: MLC1 (modulator of VRAC current 1; minus strand). Cytogenetic location: 22q13.33.
Variant type: single nucleotide variant.
Coding change: c.595T>C on transcript NM_015166.4 (MANE Select); coding-DNA position 595, T replaced by C.
Protein change: p.Ser199Pro; replaces serine 199 with proline.
Molecular consequence: missense variant. On other transcripts: non-coding transcript variant (3).
Genome position (GRCh38, 1-based): chr22:50,076,843, A>G on the plus strand (T>C on the coding strand, the complement: MLC1 is on the minus strand). VCF-style: chr22-50076843-A-G. GRCh37 (hg19) VCF-style: chr22-50515272-A-G.
Other names: c.595T>C, p.Ser199Pro (NM_001376472.1, NM_001376473.1, NM_001376474.1 and 6 more transcripts); c.505T>C, p.Ser169Pro (NM_001376480.1); c.493T>C, p.Ser165Pro (NM_001376481.1); c.439T>C, p.Ser147Pro (NM_001376482.1, NM_001376483.1); c.358T>C, p.Ser120Pro (NM_001376484.1); short protein forms S120P, S165P, S147P, S199P, S169P.
Identifiers: ClinVar variation 901426 (VCV000901426.5), dbSNP rs140676811, ClinGen allele CA10303464.